The following is an entry in ClinVar:

ClinVar aggregate classification (germline): Likely benign (0 of 4 stars; one submission).

Conditions:
MAP1B-related disorder. Also called: MAP1B-related condition.

Allele frequency attached by ClinVar (database versions not stated): ExAC 0.00004; gnomAD 0.00005; gnomAD exomes 0.00006; TOPMed 0.00008.
gnomAD v4.1: 89 of 1,613,976 alleles (0.0055%); highest among the groups gnomAD compares: Middle Eastern, 0.016%; no homozygotes.

Submission:

PreventionGenetics, part of Exact Sciences
Classification: Likely benign for MAP1B-related condition. Last evaluated: 2024-05-09. Review status: no assertion criteria provided. Collection method: clinical testing. Allele origin: germline.
Comment: This variant is classified as likely benign based on ACMG/AMP sequence variant interpretation guidelines (Richards et al. 2015 PMID: 25741868, with internal and published modifications).

NM_005909.5(MAP1B):c.6366C>G (p.Pro2122=)

Gene: MAP1B (microtubule associated protein 1B; plus strand). Cytogenetic location: 5q13.2.
Variant type: single nucleotide variant.
Coding change: c.6366C>G on transcript NM_005909.5 (MANE Select); coding-DNA position 6366, C replaced by G.
Protein change: p.Pro2122=; no amino-acid change (proline 2122 retained).
Molecular consequence: synonymous variant.
Genome position (GRCh38, 1-based): chr5:72,199,721, C>G. VCF-style: chr5-72199721-C-G. GRCh37 (hg19) VCF-style: chr5-71495548-C-G.
Other names: c.5988C>G, p.Pro1996= (NM_001324255.2).
Identifiers: ClinVar variation 3048308 (VCV003048308.2), dbSNP rs747229893, ClinGen allele CA3299472.